The following is an entry in ClinVar:

ClinVar aggregate classification (germline): Uncertain significance (1 of 4 stars; one submission).

Conditions:
Hereditary cancer-predisposing syndrome. Also called: Hereditary neoplastic syndrome; Neoplastic Syndromes, Hereditary; Tumor predisposition; Hereditary Cancer Syndrome. Identifiers: Orphanet 140162, MedGen C0027672, MeSH D009386, MONDO:0015356.

Submission:

Ambry Genetics
Classification: Uncertain significance for Hereditary cancer-predisposing syndrome. Last evaluated: 2025-01-31. Review status: criteria provided, single submitter. Criteria: Ambry Variant Classification Scheme 2023. Collection method: clinical testing. Allele origin: germline.
Comment: The p.P190S variant (also known as c.568C>T), located in coding exon 1 of the HOXB13 gene, results from a C to T substitution at nucleotide position 568. The proline at codon 190 is replaced by serine, an amino acid with similar properties. This amino acid position is conserved. In addition, the in silico prediction for this alteration is inconclusive. Based on the available evidence, the clinical significance of this variant remains unclear.

NM_006361.6(HOXB13):c.568C>T (p.Pro190Ser)

Gene: HOXB13 (homeobox B13; minus strand). Cytogenetic location: 17q21.32.
Variant type: single nucleotide variant.
Coding change: c.568C>T on transcript NM_006361.6 (MANE Select); coding-DNA position 568, C replaced by T.
Protein change: p.Pro190Ser; replaces proline 190 with serine.
Molecular consequence: missense variant.
Genome position (GRCh38, 1-based): chr17:48,728,026, G>A on the plus strand (C>T on the coding strand, the complement: HOXB13 is on the minus strand). VCF-style: chr17-48728026-G-A. GRCh37 (hg19) VCF-style: chr17-46805388-G-A.
Other names: short protein forms P190S.
Identifiers: ClinVar variation 3858431 (VCV003858431.1).